The following is an entry in ClinVar:

ClinVar aggregate classification (germline): Likely benign (0 of 4 stars; one submission).

Conditions:
BBS9-related disorder. Also called: BBS9-related condition.

gnomAD v4.1: 3 of 1,613,550 alleles (0.00019%); highest among the groups gnomAD compares: African/African-American, 0.0027%; no homozygotes.

Submission:

PreventionGenetics, part of Exact Sciences
Classification: Likely benign for BBS9-related condition. Last evaluated: 2023-01-18. Review status: no assertion criteria provided. Collection method: clinical testing. Allele origin: germline.
Comment: This variant is classified as likely benign based on ACMG/AMP sequence variant interpretation guidelines (Richards et al. 2015 PMID: 25741868, with internal and published modifications).

NM_198428.3(BBS9):c.481C>T (p.Leu161=)

Gene: BBS9 (Bardet-Biedl syndrome 9; plus strand). Cytogenetic location: 7p14.3.
Variant type: single nucleotide variant.
Coding change: c.481C>T on transcript NM_198428.3 (MANE Select); coding-DNA position 481, C replaced by T.
Protein change: p.Leu161=; no amino-acid change (leucine 161 retained).
Molecular consequence: synonymous variant. On other transcripts: non-coding transcript variant (3).
Genome position (GRCh38, 1-based): chr7:33,257,274, C>T. VCF-style: chr7-33257274-C-T. GRCh37 (hg19) VCF-style: chr7-33296886-C-T.
Other names: c.481C>T, p.Leu161= (NM_001033604.2, NM_001033605.2, NM_001348036.1 and 5 more transcripts); c.115C>T, p.Leu39= (NM_001348037.3, NM_001348044.3, NM_001348045.3 and 1 more transcripts); c.208C>T, p.Leu70= (NM_001348038.3, NM_001348039.3); c.346C>T, p.Leu116= (NM_001348042.3).
Identifiers: ClinVar variation 3356276 (VCV003356276.1).